The following is an entry in ClinVar:

ClinVar aggregate classification (germline): Uncertain significance. Review status: criteria provided, multiple submitters, no conflicts (2 of 4 stars). 2 submissions from 2 submitters: Uncertain significance (2). Last evaluated 2023-07-30.

Conditions:
Hereditary cancer-predisposing syndrome. Also called: Neoplastic Syndromes, Hereditary; Tumor predisposition; Hereditary Cancer Syndrome; Hereditary neoplastic syndrome. Identifiers: Orphanet 140162, MedGen C0027672, MeSH D009386, MONDO:0015356.
Gastrointestinal stromal tumor. Also called: Gastrointestinal stromal tumor, somatic; Gastrointestinal stroma tumor. Identifiers: Orphanet 44890, MedGen C0238198, MeSH D046152, MONDO:0011719, OMIM 606764, HP:0100723.

Allele frequency attached by ClinVar (database versions not stated): gnomAD exomes below 0.00001; ExAC 0.00001; gnomAD 0.00001; 1000 Genomes Project 0.00020; 1000 Genomes Project 30x 0.00031.
gnomAD v4.1: 2 of 1,612,288 alleles (0.00012%); highest among the groups gnomAD compares: South Asian, 0.0022%; no homozygotes.

Submissions (2):

Labcorp Genetics (formerly Invitae), Labcorp
Classification: Uncertain significance for Gastrointestinal stromal tumor. Last evaluated: 2023-07-30. Review status: criteria provided, single submitter. Criteria: Invitae Variant Classification Sherloc (09022015). Collection method: clinical testing. Allele origin: germline.
Comment: ClinVar contains an entry for this variant (Variation ID: 664638). In summary, the available evidence is currently insufficient to determine the role of this variant in disease. Therefore, it has been classified as a Variant of Uncertain Significance. An algorithm developed to predict the effect of missense changes on protein structure and function (PolyPhen-2) suggests that this variant is likely to be disruptive. This variant has not been reported in the literature in individuals affected with KIT-related conditions. This variant is present in population databases (rs558702741, gnomAD 0.003%). This sequence change replaces leucine, which is neutral and non-polar, with valine, which is neutral and non-polar, at codon 793 of the KIT protein (p.Leu793Val).

Ambry Genetics
Classification: Uncertain significance for Hereditary cancer-predisposing syndrome. Last evaluated: 2022-12-14. Review status: criteria provided, single submitter. Criteria: Ambry Variant Classification Scheme 2023. Collection method: clinical testing. Allele origin: germline.
Comment: The p.L793V variant (also known as c.2377T>G), located in coding exon 17 of the KIT gene, results from a T to G substitution at nucleotide position 2377. The leucine at codon 793 is replaced by valine, an amino acid with highly similar properties. This amino acid position is conserved. In addition, the in silico prediction for this alteration is inconclusive. Since supporting evidence is limited at this time, the clinical significance of this alteration remains unclear.

NM_000222.3(KIT):c.2377T>G (p.Leu793Val)

Gene: KIT (KIT proto-oncogene, receptor tyrosine kinase; plus strand). Cytogenetic location: 4q12.
Variant type: single nucleotide variant.
Coding change: c.2377T>G on transcript NM_000222.3 (MANE Select); coding-DNA position 2377, T replaced by G.
Protein change: p.Leu793Val; replaces leucine 793 with valine.
Molecular consequence: missense variant.
Genome position (GRCh38, 1-based): chr4:54,733,085, T>G. VCF-style: chr4-54733085-T-G. GRCh37 (hg19) VCF-style: chr4-55599251-T-G.
Other names: c.2365T>G, p.Leu789Val (NM_001093772.2, NM_001385292.1); c.2380T>G, p.Leu794Val (NM_001385284.1); c.2374T>G, p.Leu792Val (NM_001385285.1); c.2362T>G, p.Leu788Val (NM_001385286.1); c.2368T>G, p.Leu790Val (NM_001385288.1); c.2377T>G, p.Leu793Val (NM_001385290.1); short protein forms L793V, L789V, L788V, L790V, L792V, L794V.
Identifiers: ClinVar variation 664638 (VCV000664638.10), dbSNP rs558702741, ClinGen allele CA2923767.